The following is an entry in ClinVar:

ClinVar aggregate classification (germline): Uncertain significance (1 of 4 stars; one submission).

Conditions:
Peroxisome biogenesis disorder 3A (Zellweger). Also called: PEROXISOMAL BIOGENESIS DISORDER 3A (ZELLWEGER); Peroxisome biogenesis disorder 3A. Identifiers: Orphanet 912, MedGen C3553929, MONDO:0013927, OMIM 614859.

Submission:

Labcorp Genetics (formerly Invitae), Labcorp
Classification: Uncertain significance for Peroxisome biogenesis disorder 3A (Zellweger). Last evaluated: 2022-07-17. Review status: criteria provided, single submitter. Criteria: Invitae Variant Classification Sherloc (09022015). Collection method: clinical testing. Allele origin: germline.
Comment: This sequence change replaces histidine, which is basic and polar, with arginine, which is basic and polar, at codon 146 of the PEX12 protein (p.His146Arg). This variant is not present in population databases (gnomAD no frequency). This variant has not been reported in the literature in individuals affected with PEX12-related conditions. Algorithms developed to predict the effect of missense changes on protein structure and function (SIFT, PolyPhen-2, Align-GVGD) all suggest that this variant is likely to be tolerated. In summary, the available evidence is currently insufficient to determine the role of this variant in disease. Therefore, it has been classified as a Variant of Uncertain Significance.

NM_000286.3(PEX12):c.437A>G (p.His146Arg)

Gene: PEX12 (peroxisomal biogenesis factor 12; minus strand). Cytogenetic location: 17q12.
Variant type: single nucleotide variant.
Coding change: c.437A>G on transcript NM_000286.3 (MANE Select); coding-DNA position 437, A replaced by G.
Protein change: p.His146Arg; replaces histidine 146 with arginine.
Molecular consequence: missense variant.
Genome position (GRCh38, 1-based): chr17:35,577,281, T>C on the plus strand (A>G on the coding strand, the complement: PEX12 is on the minus strand). VCF-style: chr17-35577281-T-C. GRCh37 (hg19) VCF-style: chr17-33904300-T-C.
Other names: short protein forms H146R.
Identifiers: ClinVar variation 1717176 (VCV001717176.5), dbSNP rs2509169929, ClinGen allele CA399138133.